The following is an entry in ClinVar:

NM_001167.4(XIAP):c.1189A>G (p.Ile397Val)

Gene: XIAP (X-linked inhibitor of apoptosis; plus strand). Cytogenetic location: Xq25.
Variant type: single nucleotide variant.
Coding change: c.1189A>G on transcript NM_001167.4 (MANE Select); coding-DNA position 1189, A replaced by G.
Protein change: p.Ile397Val; replaces isoleucine 397 with valine.
Molecular consequence: missense variant. On other transcripts: non-coding transcript variant (2).
Genome position (GRCh38, 1-based): chrX:123,900,582, A>G. VCF-style: chrX-123900582-A-G. GRCh37 (hg19) VCF-style: chrX-123034432-A-G.
Other names: c.1189A>G, p.Ile397Val (NM_001204401.2, NM_001378590.1, NM_001378591.1 and 1 more transcripts); short protein forms I397V.
Identifiers: ClinVar variation 2466691 (VCV002466691.3), dbSNP rs772877205, ClinGen allele CA10508154.

ClinVar aggregate classification (germline): Uncertain significance. Review status: criteria provided, multiple submitters, no conflicts (2 of 4 stars). 2 submissions from 2 submitters: Uncertain significance (2). Last evaluated 2026-01-13.

Conditions:
Inborn genetic diseases. Identifiers: MedGen C0950123, MeSH D030342.
X-linked lymphoproliferative disease due to XIAP deficiency. Also called: XIAP-Related Lymphoproliferative Disease, X-Linked; XIAP DEFICIENCY. Identifiers: Orphanet 2442, Orphanet 538934, MedGen C1845076, MONDO:0010385, OMIM 300635.

Allele frequency attached by ClinVar (database versions not stated): TOPMed below 0.00001; ExAC 0.00001; gnomAD 0.00001; gnomAD exomes 0.00001.
gnomAD v4.1: 10 of 1,209,545 alleles (0.00083%); highest among the groups gnomAD compares: Middle Eastern, 0.023%; no homozygotes.

Submissions (2):

Labcorp Genetics (formerly Invitae), Labcorp
Classification: Uncertain significance for X-linked lymphoproliferative disease due to XIAP deficiency. Last evaluated: 2026-01-13. Review status: criteria provided, single submitter. Criteria: Invitae Variant Classification Sherloc (09022015). Collection method: clinical testing. Allele origin: germline.
Comment: This sequence change replaces isoleucine, which is neutral and non-polar, with valine, which is neutral and non-polar, at codon 397 of the XIAP protein (p.Ile397Val). This variant is present in population databases (rs772877205, gnomAD 0.003%), including at least one homozygous and/or hemizygous individual. This variant has not been reported in the literature in individuals affected with XIAP-related conditions. ClinVar contains an entry for this variant (Variation ID: 2466691). Invitae Evidence Modeling of protein sequence and biophysical properties (such as structural, functional, and spatial information, amino acid conservation, physicochemical variation, residue mobility, and thermodynamic stability) indicates that this missense variant is not expected to disrupt XIAP protein function with a negative predictive value of 80%. In summary, the available evidence is currently insufficient to determine the role of this variant in disease. Therefore, it has been classified as a Variant of Uncertain Significance.

Ambry Genetics
Classification: Uncertain significance for Inborn genetic diseases. Last evaluated: 2023-03-01. Review status: criteria provided, single submitter. Criteria: Ambry Variant Classification Scheme 2023. Collection method: clinical testing. Allele origin: germline.